The following is an entry in ClinVar:

NM_001271.4(CHD2):c.214G>T (p.Gly72Cys)

Gene: CHD2 (chromodomain helicase DNA binding protein 2; plus strand). Cytogenetic location: 15q26.1.
Variant type: single nucleotide variant.
Coding change: c.214G>T on transcript NM_001271.4 (MANE Select); coding-DNA position 214, G replaced by T.
Protein change: p.Gly72Cys; replaces glycine 72 with cysteine.
Molecular consequence: missense variant.
Genome position (GRCh38, 1-based): chr15:92,924,472, G>T. VCF-style: chr15-92924472-G-T. GRCh37 (hg19) VCF-style: chr15-93467702-G-T.
Other names: c.214G>T, p.Gly72Cys (NM_001042572.3); short protein forms G72C.
Identifiers: ClinVar variation 2645720 (VCV002645720.28), dbSNP rs1034945378, ClinGen allele CA274852686.

ClinVar aggregate classification (germline): Conflicting classifications of pathogenicity. Review status: criteria provided, conflicting classifications (1 of 4 stars). 3 submissions from 3 submitters: Likely pathogenic (1); Uncertain significance (2). Last evaluated 2025-08-02.

Conditions:
Developmental and epileptic encephalopathy 94 (DEE94). Also called: Epileptic encephalopathy, childhood-onset; CHD2-Related Neurodevelopmental Disorders. Identifiers: Orphanet 1942, Orphanet 2382, MedGen C3809278, MONDO:0014150, OMIM 615369.

Allele frequency attached by ClinVar (database versions not stated): TOPMed below 0.00001.
gnomAD v4.1: 6 of 1,614,118 alleles (0.00037%); highest among the groups gnomAD compares: Middle Eastern, 0.033%; no homozygotes.

Submissions (3):

Next Generation Genetic Polyclinic
Classification: Likely pathogenic for Developmental and epileptic encephalopathy 94. Last evaluated: 2025-08-02. Review status: criteria provided, single submitter. Criteria: ACMG Guidelines, 2015. Collection method: clinical testing. Allele origin: germline. Inheritance: Autosomal dominant inheritance. Affected: yes. Observed: 1 heterozygote.
Comment: The variant CHD2 c.214G>T (p.Gly72Cys) has been classified as likely pathogenic. This determination is supported by in silico analyses indicating a deleterious effect on protein function, along with phenotype correlation observed in affected individuals. Additional functional validation may further elucidate its pathogenic role, but current evidence justifies the likely pathogenic classification.

Labcorp Genetics (formerly Invitae), Labcorp
Classification: Uncertain significance for Developmental and epileptic encephalopathy 94. Last evaluated: 2023-07-19. Review status: criteria provided, single submitter. Criteria: Invitae Variant Classification Sherloc (09022015). Collection method: clinical testing. Allele origin: germline.
Comment: In summary, the available evidence is currently insufficient to determine the role of this variant in disease. Therefore, it has been classified as a Variant of Uncertain Significance. Advanced modeling of protein sequence and biophysical properties (such as structural, functional, and spatial information, amino acid conservation, physicochemical variation, residue mobility, and thermodynamic stability) performed at Invitae indicates that this missense variant is not expected to disrupt CHD2 protein function. This variant has not been reported in the literature in individuals affected with CHD2-related conditions. This variant is present in population databases (no rsID available, gnomAD 0.0009%). This sequence change replaces glycine, which is neutral and non-polar, with cysteine, which is neutral and slightly polar, at codon 72 of the CHD2 protein (p.Gly72Cys).

CeGaT Center for Human Genetics Tuebingen
Classification: Uncertain significance. Last evaluated: 2023-02-01. Review status: criteria provided, single submitter. Criteria: CeGaT Center For Human Genetics Tuebingen Variant Classification Criteria Version 2. Collection method: clinical testing. Allele origin: germline. Affected: yes. Observed: 1 variant allele.
Comment: CHD2: PM2